The following is an entry in ClinVar:

NM_000179.3(MSH6):c.1500A>T (p.Ala500=)

Gene: MSH6 (mutS homolog 6; plus strand). Cytogenetic location: 2p16.3.
Variant type: single nucleotide variant.
Coding change: c.1500A>T on transcript NM_000179.3 (MANE Select); coding-DNA position 1500, A replaced by T.
Protein change: p.Ala500=; no amino-acid change (alanine 500 retained).
Molecular consequence: synonymous variant.
Genome position (GRCh38, 1-based): chr2:47,799,483, A>T. VCF-style: chr2-47799483-A-T. GRCh37 (hg19) VCF-style: chr2-48026622-A-T.
Other names: c.1110A>T, p.Ala370= (NM_001281492.2); c.594A>T, p.Ala198= (NM_001281493.2, NM_001281494.2).
Identifiers: ClinVar variation 628774 (VCV000628774.18), dbSNP rs1558661892, ClinGen allele CA426121165.

ClinVar aggregate classification (germline): Benign/Likely benign. Review status: criteria provided, multiple submitters, no conflicts (2 of 4 stars). 6 submissions from 6 submitters: Benign (1); Likely benign (5). Last evaluated 2025-12-07.

Conditions:
Lynch syndrome 5 (LYNCH5). Also called: Colorectal cancer, hereditary nonpolyposis, type 5; Hereditary non-polyposis colorectal cancer, type 5. Identifiers: Orphanet 144, MedGen C1833477, MONDO:0013710, OMIM 614350. Disease mechanism: loss of function.
Endometrial carcinoma. Also called: Endometrial carcinoma, somatic. Identifiers: MedGen C0476089, MONDO:0002447, OMIM 608089, HP:0012114.
Hereditary cancer-predisposing syndrome. Also called: Tumor predisposition; Neoplastic Syndromes, Hereditary; Hereditary Cancer Syndrome; Hereditary neoplastic syndrome. Identifiers: Orphanet 140162, MedGen C0027672, MeSH D009386, MONDO:0015356.
Hereditary nonpolyposis colorectal neoplasms. Identifiers: MedGen C0009405, MeSH D003123.

gnomAD v4.1: 3 of 1,614,190 alleles (0.00019%); highest among the groups gnomAD compares: Non-Finnish European, 0.00025%; no homozygotes.

Submissions (6):

Labcorp Genetics (formerly Invitae), Labcorp
Classification: Likely benign for Hereditary nonpolyposis colorectal neoplasms. Last evaluated: 2025-12-07. Review status: criteria provided, single submitter. Criteria: Invitae Variant Classification Sherloc (09022015). Collection method: clinical testing. Allele origin: germline.

Myriad Genetics, Inc.
Classification: Benign for Lynch syndrome 5. Last evaluated: 2024-12-26. Review status: criteria provided, single submitter. Criteria: Myriad Autosomal Dominant, Autosomal Recessive and X-Linked Classification Criteria (2023). Collection method: clinical testing. Allele origin: unknown.
Comment: This variant is considered benign. This variant is a silent/synonymous amino acid change and it is not expected to impact splicing.

Blueprint Genetics
Classification: Likely benign. Last evaluated: 2024-09-19. Review status: criteria provided, single submitter. Criteria: ACMG Guidelines, 2015. Collection method: clinical testing. Allele origin: germline.

Department of Pathology and Laboratory Medicine, Sinai Health System
Classification: Likely benign for Endometrial carcinoma; Lynch syndrome 5. Last evaluated: 2020-08-10. Review status: criteria provided, single submitter. Criteria: ACMG Guidelines, 2015. Collection method: clinical testing. Allele origin: germline. Affected: yes.

Ambry Genetics
Classification: Likely benign for Hereditary cancer-predisposing syndrome. Last evaluated: 2020-01-07. Review status: criteria provided, single submitter. Criteria: Ambry Variant Classification Scheme 2023. Collection method: clinical testing. Allele origin: germline.

Color Diagnostics, LLC DBA Color Health
Classification: Likely benign for Hereditary cancer-predisposing syndrome. Last evaluated: 2018-07-03. Review status: criteria provided, single submitter. Criteria: ACMG Guidelines, 2015. Collection method: clinical testing. Allele origin: germline.